The following is an entry in ClinVar:

ClinVar aggregate classification (germline): Uncertain significance (1 of 4 stars; one submission).

Conditions:
Emery-Dreifuss muscular dystrophy 5, autosomal dominant (EDMD5). Also called: EMERY-DREIFUSS MUSCULAR DYSTROPHY 5. Identifiers: Orphanet 261, MedGen C2751805, MONDO:0013072, OMIM 612999.

Allele frequency attached by ClinVar (database versions not stated): TOPMed below 0.00001.
gnomAD v4.1: 11 of 1,612,788 alleles (0.00068%); highest among the groups gnomAD compares: African/African-American, 0.0013%; no homozygotes.

Submission:

Labcorp Genetics (formerly Invitae), Labcorp
Classification: Uncertain significance for Emery-Dreifuss muscular dystrophy 5, autosomal dominant. Last evaluated: 2023-10-11. Review status: criteria provided, single submitter. Criteria: Invitae Variant Classification Sherloc (09022015). Collection method: clinical testing. Allele origin: germline.
Comment: This sequence change creates a premature translational stop signal (p.Arg1643*) in the SYNE2 gene. It is expected to result in an absent or disrupted protein product. However, the current clinical and genetic evidence is not sufficient to establish whether loss-of-function variants in SYNE2 cause disease. This variant is present in population databases (rs770664731, gnomAD 0.0009%). This variant has not been reported in the literature in individuals affected with SYNE2-related conditions. In summary, the available evidence is currently insufficient to determine the role of this variant in disease. Therefore, it has been classified as a Variant of Uncertain Significance.

NM_182914.3(SYNE2):c.4927C>T (p.Arg1643Ter)

Gene: SYNE2 (spectrin repeat containing nuclear envelope protein 2; plus strand). Cytogenetic location: 14q23.2.
Variant type: single nucleotide variant.
Coding change: c.4927C>T on transcript NM_182914.3 (MANE Select); coding-DNA position 4927, C replaced by T.
Protein change: p.Arg1643Ter; replaces arginine 1643 with a stop codon.
Molecular consequence: nonsense.
Genome position (GRCh38, 1-based): chr14:64,017,634, C>T. VCF-style: chr14-64017634-C-T. GRCh37 (hg19) VCF-style: chr14-64484352-C-T.
Other names: c.4927C>T, p.Arg1643Ter (NM_015180.6); short protein forms R1643*.
Identifiers: ClinVar variation 2796479 (VCV002796479.3), dbSNP rs770664731, ClinGen allele CA7220353.